The following is an entry in ClinVar:

ClinVar aggregate classification (germline): Uncertain significance. Review status: criteria provided, multiple submitters, no conflicts (2 of 4 stars). 2 submissions from 2 submitters: Uncertain significance (2). Last evaluated 2025-04-15.

Conditions:
Inborn genetic diseases. Identifiers: MedGen C0950123, MeSH D030342.

Allele frequency attached by ClinVar (database versions not stated): TOPMed below 0.00001; gnomAD 0.00001; ExAC 0.00003; gnomAD exomes 0.00004.
gnomAD v4.1: 39 of 1,602,502 alleles (0.0024%); highest among the groups gnomAD compares: Admixed American, 0.0067%; no homozygotes.

Submissions (2):

Labcorp Genetics (formerly Invitae), Labcorp
Classification: Uncertain significance. Last evaluated: 2025-04-15. Review status: criteria provided, single submitter. Criteria: Invitae Variant Classification Sherloc (09022015). Collection method: clinical testing. Allele origin: germline.
Comment: This sequence change replaces proline, which is neutral and non-polar, with leucine, which is neutral and non-polar, at codon 919 of the RNF216 protein (p.Pro919Leu). This variant is present in population databases (rs771029566, gnomAD 0.01%). This variant has not been reported in the literature in individuals affected with RNF216-related conditions. ClinVar contains an entry for this variant (Variation ID: 1408904). An algorithm developed to predict the effect of missense changes on protein structure and function (PolyPhen-2) suggests that this variant is likely to be tolerated. In summary, the available evidence is currently insufficient to determine the role of this variant in disease. Therefore, it has been classified as a Variant of Uncertain Significance.

Ambry Genetics
Classification: Uncertain significance for Inborn genetic diseases. Last evaluated: 2023-02-23. Review status: criteria provided, single submitter. Criteria: Ambry Variant Classification Scheme 2023. Collection method: clinical testing. Allele origin: germline.

NM_207111.4(RNF216):c.2756C>T (p.Pro919Leu)

Gene: RNF216 (ring finger protein 216; minus strand). Cytogenetic location: 7p22.1.
Variant type: single nucleotide variant.
Coding change: c.2756C>T on transcript NM_207111.4 (MANE Select); coding-DNA position 2756, C replaced by T.
Protein change: p.Pro919Leu; replaces proline 919 with leucine.
Molecular consequence: missense variant.
Genome position (GRCh38, 1-based): chr7:5,622,876, G>A on the plus strand (C>T on the coding strand, the complement: RNF216 is on the minus strand). VCF-style: chr7-5622876-G-A. GRCh37 (hg19) VCF-style: chr7-5662507-G-A.
Other names: c.2585C>T, p.Pro862Leu (NM_001377156.1, NM_207116.3); c.2756C>T (NM_207111.3); short protein forms P862L, P919L.
Identifiers: ClinVar variation 1408904 (VCV001408904.5), dbSNP rs771029566, ClinGen allele CA4147698.